The following is an entry in ClinVar:

NM_032638.5(GATA2):c.1307A>T (p.His436Leu)

Gene: GATA2 (GATA binding protein 2; minus strand). Cytogenetic location: 3q21.3.
Variant type: single nucleotide variant.
Coding change: c.1307A>T on transcript NM_032638.5 (MANE Select); coding-DNA position 1307, A replaced by T.
Protein change: p.His436Leu; replaces histidine 436 with leucine.
Molecular consequence: missense variant.
Genome position (GRCh38, 1-based): chr3:128,481,155, T>A on the plus strand (A>T on the coding strand, the complement: GATA2 is on the minus strand). VCF-style: chr3-128481155-T-A. GRCh37 (hg19) VCF-style: chr3-128199998-T-A.
Other names: c.1307A>T, p.His436Leu (NM_001145661.2); c.1265A>T, p.His422Leu (NM_001145662.1); short protein forms H422L, H436L.
Identifiers: ClinVar variation 1053178 (VCV001053178.9), dbSNP rs2107667864, ClinGen allele CA354412804.

ClinVar aggregate classification (germline): Uncertain significance (1 of 4 stars; one submission).

Conditions:
Deafness-lymphedema-leukemia syndrome. Also called: Emberger syndrome; Lymphedema, primary, with myelodysplasia. Identifiers: Orphanet 3226, MedGen C3279664, MONDO:0013540, OMIM 614038.
Monocytopenia with susceptibility to infections. Also called: MONOCYTOPENIA AND MYCOBACTERIAL INFECTION SYNDROME; MONOCYTOPENIA WITH SUSCEPTIBILITY TO MYCOBACTERIAL, FUNGAL, AND PAPILLOMAVIRUS INFECTIONS AND MYELODYSPLASIA; COMBINED IMMUNODEFICIENCY WITH SUSCEPTIBILITY TO MYCOBACTERIAL, VIRAL, AND FUNGAL INFECTIONS; Dendritic cell, monocyte, B lymphocyte, and natural killer lymphocyte deficiency; IMMUNODEFICIENCY 21; GATA2 DEFICIENCY. Identifiers: Orphanet 228423, MedGen C3280030, MONDO:0013607, OMIM 614172.

Submission:

Labcorp Genetics (formerly Invitae), Labcorp
Classification: Uncertain significance for Monocytopenia with susceptibility to infections; Deafness-lymphedema-leukemia syndrome. Last evaluated: 2020-01-23. Review status: criteria provided, single submitter. Criteria: Invitae Variant Classification Sherloc (09022015). Collection method: clinical testing. Allele origin: germline.
Comment: This sequence change replaces histidine with leucine at codon 436 of the GATA2 protein (p.His436Leu). The histidine residue is moderately conserved and there is a moderate physicochemical difference between histidine and leucine. In summary, the available evidence is currently insufficient to determine the role of this variant in disease. Therefore, it has been classified as a Variant of Uncertain Significance. Algorithms developed to predict the effect of missense changes on protein structure and function are either unavailable or do not agree on the potential impact of this missense change (SIFT: "Tolerated"; PolyPhen-2: "Probably Damaging"; Align-GVGD: "Class C0"). This variant has not been reported in the literature in individuals with GATA2-related conditions. This variant is not present in population databases (ExAC no frequency).